The following is an entry in ClinVar:

NM_001009944.3(PKD1):c.7264A>C (p.Thr2422Pro)

Gene: PKD1 (polycystin 1, transient receptor potential channel interacting; minus strand). Cytogenetic location: 16p13.3.
Variant type: single nucleotide variant.
Coding change: c.7264A>C on transcript NM_001009944.3 (MANE Select); coding-DNA position 7264, A replaced by C.
Protein change: p.Thr2422Pro; replaces threonine 2422 with proline.
Molecular consequence: missense variant.
Genome position (GRCh38, 1-based): chr16:2,106,623, T>G on the plus strand (A>C on the coding strand, the complement: PKD1 is on the minus strand). VCF-style: chr16-2106623-T-G. GRCh37 (hg19) VCF-style: chr16-2156624-T-G.
Other names: c.7264A>C, p.Thr2422Pro (NM_000296.4); short protein forms T2422P.
Identifiers: ClinVar variation 3775785 (VCV003775785.1).
Genomic context (GRCh38, chr16:2,106,623, plus strand): 5'-CGCCGTCCCGCAGCACGCCCCGCCGCAGCACCAGTCGCATGCCTGCACTGCCCGTGGATG[T>G]GGTGGTCTCATCCAGCACCAGCGTCTTGTTGCTGAACGTACGTGCAGCCCACCGCTGCAG-3'
Protein context (NP_001009944.3, residues 2412-2432): NKTLVLDETT[Thr2422Pro]STGSAGMRLV

ClinVar aggregate classification (germline): Uncertain significance (1 of 4 stars; one submission).

Conditions:
Polycystic kidney disease, adult type (PKD1). Also called: Polycystic Kidney, Autosomal Dominant; POLYCYSTIC KIDNEY DISEASE 1 WITH OR WITHOUT POLYCYSTIC LIVER DISEASE; Polycystic Kidney Disease 1, Autosomal Dominant; Polycystic kidney disease 1; Polycystic kidney disease 1, severe; POLYCYSTIC KIDNEY DISEASE, ADULT, TYPE I. Identifiers: MedGen C3149841, MONDO:0008263, OMIM 173900.

Submission:

3billion
Classification: Uncertain significance for Polycystic kidney disease, adult type. Last evaluated: 2024-01-31. Review status: criteria provided, single submitter. Criteria: ACMG Guidelines, 2015. Collection method: clinical testing. Allele origin: germline. Affected: yes.
Comment: The variant is not observed in the gnomAD v2.1.1 dataset. Predicted Consequence/Location: Missense variant In silico tool predictions suggest damaging effect of the variant on gene or gene product [REVEL: 0.82 (>=0.6, sensitivity 0.68 and specificity 0.92)]. Therefore, this variant is classified as VUS according to the recommendation of ACMG/AMP guideline.